The following is an entry in ClinVar:

NM_001159699.2(FHL1):c.648C>A (p.Phe216Leu)

Gene: FHL1 (four and a half LIM domains 1; plus strand). Cytogenetic location: Xq26.3.
Variant type: single nucleotide variant.
Coding change: c.648C>A on transcript NM_001159699.2 (MANE Select); coding-DNA position 648, C replaced by A.
Protein change: p.Phe216Leu; replaces phenylalanine 216 with leucine.
Molecular consequence: missense variant. On other transcripts: non-coding transcript variant (1), intron variant (2).
Genome position (GRCh38, 1-based): chrX:136,208,553, C>A. VCF-style: chrX-136208553-C-A. GRCh37 (hg19) VCF-style: chrX-135290712-C-A.
Other names: c.600C>A, p.Phe200Leu (NM_001159700.2, NM_001159702.3, NM_001159704.1 and 8 more transcripts); c.687C>A, p.Phe229Leu (NM_001159701.2); c.648C>A, p.Phe216Leu (NM_001440769.1); c.501+592C>A (NM_001159703.2); c.549+592C>A (NM_001330659.2); short protein forms F216L, F200L, F229L.
Identifiers: ClinVar variation 4735077 (VCV004735077.1).

ClinVar aggregate classification (germline): Uncertain significance (1 of 4 stars; one submission).

Conditions:
X-linked myopathy with postural muscle atrophy. Also called: FHL1-Related Emery-Dreifuss Muscular Dystrophy, X-Linked. Identifiers: Orphanet 178461, MedGen C2678055, MONDO:0010401, OMIM 300696.

Submission:

Labcorp Genetics (formerly Invitae), Labcorp
Classification: Uncertain significance for X-linked myopathy with postural muscle atrophy. Last evaluated: 2026-01-18. Review status: criteria provided, single submitter. Criteria: Invitae Variant Classification Sherloc (09022015). Collection method: clinical testing. Allele origin: germline.
Comment: This sequence change replaces phenylalanine, which is neutral and non-polar, with leucine, which is neutral and non-polar, at codon 200 of the FHL1 protein (p.Phe200Leu). This variant is not present in population databases (gnomAD no frequency). This variant has not been reported in the literature in individuals affected with FHL1-related conditions. An algorithm developed to predict the effect of missense changes on protein structure and function (PolyPhen-2) suggests that this variant is likely to be disruptive. In summary, the available evidence is currently insufficient to determine the role of this variant in disease. Therefore, it has been classified as a Variant of Uncertain Significance.